The following is an entry in ClinVar:

NM_000053.4(ATP7B):c.3407A>G (p.Glu1136Gly)

Gene: ATP7B (ATPase copper transporting beta; minus strand). Cytogenetic location: 13q14.3.
Variant type: single nucleotide variant.
Coding change: c.3407A>G on transcript NM_000053.4 (MANE Select); coding-DNA position 3407, A replaced by G.
Protein change: p.Glu1136Gly; replaces glutamic acid 1136 with glycine.
Molecular consequence: missense variant.
Genome position (GRCh38, 1-based): chr13:51,942,391, T>C on the plus strand (A>G on the coding strand, the complement: ATP7B is on the minus strand). VCF-style: chr13-51942391-T-C. GRCh37 (hg19) VCF-style: chr13-52516527-T-C.
Other names: c.3272A>G, p.Glu1091Gly (NM_001406519.1); c.3263A>G, p.Glu1088Gly (NM_001406520.1, NM_001406521.1, NM_001406522.1); c.3224A>G, p.Glu1075Gly (NM_001406523.1); c.3173A>G, p.Glu1058Gly (NM_001406528.1, NM_001406527.1, NM_001330578.2 and 1 more transcripts); c.3230A>G, p.Glu1077Gly (NM_001406524.1); c.3212A>G, p.Glu1071Gly (NM_001406525.1); c.3407A>G, p.Glu1136Gly (NM_001406526.1, NM_001406511.1, NM_001406512.1); c.3407A>G (NM_000053.3); and 20 more; short protein forms E1052G, E1058G, E1077G, E1125G, E993G, E1020G, E1023G, E1071G.
Identifiers: ClinVar variation 1968467 (VCV001968467.4), dbSNP rs1370809086, ClinGen allele CA388027691.
Genomic context (GRCh38, chr13:51,942,391, plus strand): 5'-GTGGTTTGACCCACCTCTACTTTTAACCAGCTGCAGAGACAAAAGCCAGCAATACCTTTT[T>C]CTGCGGGAAGGCTGCCAGCCTCATTCAGGTGACTGGCCGGTGCACTCAAAGGGCGCTCAC-3'
Protein context (NP_000044.2, residues 1126-1146): HLNEAGSLPA[Glu1136Gly]KDAVPQTFSV

ClinVar aggregate classification (germline): Uncertain significance. Review status: criteria provided, multiple submitters, no conflicts (2 of 4 stars). 3 submissions from 3 submitters: Uncertain significance (3). Last evaluated 2024-05-03.

Conditions:
Wilson disease (WND). Also called: Wilson's disease. Identifiers: Orphanet 905, MedGen C0019202, MONDO:0010200, OMIM 277900. Disease mechanism: loss of function.

Submissions (3):

Color Diagnostics, LLC DBA Color Health
Classification: Uncertain significance for Wilson disease. Last evaluated: 2024-05-03. Review status: criteria provided, single submitter. Criteria: ACMG Guidelines, 2015. Collection method: clinical testing. Allele origin: germline.
Comment: This missense variant replaces glutamic acid with glycine at codon 1136 of the ATP7B protein. Computational prediction suggests that this variant may not impact protein structure and function. To our knowledge, functional studies have not been reported for this variant. This variant has not been reported in individuals affected with ATP7B-related disorders in the literature. This variant has been identified in 1/249408 chromosomes in the general population by the Genome Aggregation Database (gnomAD). The available evidence is insufficient to determine the role of this variant in disease conclusively. Therefore, this variant is classified as a Variant of Uncertain Significance.

GeneDx
Classification: Uncertain significance. Last evaluated: 2023-05-18. Review status: criteria provided, single submitter. Criteria: GeneDx Variant Classification Process June 2021. Collection method: clinical testing. Allele origin: germline. Affected: yes.
Comment: Not observed at significant frequency in large population cohorts (gnomAD); In silico analysis supports that this missense variant does not alter protein structure/function; Has not been previously published as pathogenic or benign to our knowledge

Labcorp Genetics (formerly Invitae), Labcorp
Classification: Uncertain significance for Wilson disease. Last evaluated: 2022-05-07. Review status: criteria provided, single submitter. Criteria: Invitae Variant Classification Sherloc (09022015). Collection method: clinical testing. Allele origin: germline.
Comment: This sequence change replaces glutamic acid, which is acidic and polar, with glycine, which is neutral and non-polar, at codon 1136 of the ATP7B protein (p.Glu1136Gly). This variant is present in population databases (no rsID available, gnomAD 0.0009%). This variant has not been reported in the literature in individuals affected with ATP7B-related conditions. Advanced modeling of protein sequence and biophysical properties (such as structural, functional, and spatial information, amino acid conservation, physicochemical variation, residue mobility, and thermodynamic stability) performed at Invitae indicates that this missense variant is not expected to disrupt ATP7B protein function. In summary, the available evidence is currently insufficient to determine the role of this variant in disease. Therefore, it has been classified as a Variant of Uncertain Significance.